The following is an entry in ClinVar:

ClinVar aggregate classification (germline): Uncertain significance (1 of 4 stars; one submission).

Conditions:
SLC25A19-related disorder. Also called: SLC25A19-related condition.

Submission:

PreventionGenetics, part of Exact Sciences
Classification: Uncertain significance for SLC25A19-related condition. Last evaluated: 2025-06-23. Review status: criteria provided, single submitter. Criteria: ACMG Guidelines, 2015. Collection method: clinical testing. Allele origin: germline.
Comment: The SLC25A19 c.542C>T variant is predicted to result in the amino acid substitution p.Thr181Ile. To our knowledge, this variant has not been reported in the literature or in a large population database (gnomAD), indicating this variant is rare. At this time, the clinical significance of this variant is uncertain due to the absence of conclusive functional and genetic evidence.

NM_001126121.2(SLC25A19):c.542C>T (p.Thr181Ile)

Gene: SLC25A19 (solute carrier family 25 member 19; minus strand). Cytogenetic location: 17q25.1.
Variant type: single nucleotide variant.
Coding change: c.542C>T on transcript NM_001126121.2 (MANE Select); coding-DNA position 542, C replaced by T.
Protein change: p.Thr181Ile; replaces threonine 181 with isoleucine.
Molecular consequence: missense variant.
Genome position (GRCh38, 1-based): chr17:75,278,253, G>A on the plus strand (C>T on the coding strand, the complement: SLC25A19 is on the minus strand). VCF-style: chr17-75278253-G-A. GRCh37 (hg19) VCF-style: chr17-73274334-G-A.
Other names: c.542C>T, p.Thr181Ile (NM_001126122.2, NM_021734.5); short protein forms T181I.
Identifiers: ClinVar variation 5002179 (VCV005002179.1).
Genomic context (GRCh38, chr17:75,278,253, plus strand): 5'-TGCTTCAAGGAGCTGTAGCAAGAGAACTGCAGCCCGGCGTAGGGGAAGATGGCGATCAAG[G>A]TGGGAGCCAAGCCTTTGTAGAAAACCTGGGGGCCTTCGCTCCTATACATGGTCCCCACGG-3'
Protein context (NP_001119593.1, residues 171-191): PQVFYKGLAP[Thr181Ile]LIAIFPYAGL